The following is an entry in ClinVar:

ClinVar aggregate classification (germline): Uncertain significance (1 of 4 stars; one submission).

Submission:

Labcorp Genetics (formerly Invitae), Labcorp
Classification: Uncertain significance. Last evaluated: 2023-12-19. Review status: criteria provided, single submitter. Criteria: Invitae Variant Classification Sherloc (09022015). Collection method: clinical testing. Allele origin: germline.
Comment: This sequence change replaces isoleucine, which is neutral and non-polar, with methionine, which is neutral and non-polar, at codon 1327 of the COL18A1 protein (p.Ile1327Met). This variant is not present in population databases (gnomAD no frequency). This variant has not been reported in the literature in individuals affected with COL18A1-related conditions. Experimental studies and prediction algorithms are not available or were not evaluated, and the functional significance of this variant is currently unknown. In summary, the available evidence is currently insufficient to determine the role of this variant in disease. Therefore, it has been classified as a Variant of Uncertain Significance.

NM_001379500.1(COL18A1):c.3990T>G (p.Ile1330Met)

Genes: COL18A1 (collagen type XVIII alpha 1 chain; plus strand), SLC19A1 (solute carrier family 19 member 1; minus strand). Cytogenetic location: 21q22.3.
Variant type: single nucleotide variant.
Coding change: c.3990T>G on transcript NM_001379500.1 (MANE Select); coding-DNA position 3990, T replaced by G.
Protein change: p.Ile1330Met; replaces isoleucine 1330 with methionine.
Molecular consequence: missense variant.
Genome position (GRCh38, 1-based): chr21:45,512,368, T>G. VCF-style: chr21-45512368-T-G. GRCh37 (hg19) VCF-style: chr21-46932282-T-G.
Other names: c.4521T>G, p.Ile1507Met (NM_030582.4); c.5226T>G, p.Ile1742Met (NM_130444.3); short protein forms I1742M, I1330M, I1507M.
Identifiers: ClinVar variation 2704121 (VCV002704121.3), dbSNP rs2517891464, ClinGen allele CA410502461.